The following is an entry in ClinVar:

ClinVar aggregate classification (germline): Benign. Review status: criteria provided, single submitter (1 of 4 stars). 2 submissions from 2 submitters: Benign (1). 1 of the submissions does not count toward it. Last evaluated 2026-02-03.

Conditions:
GRIN2D-related disorder. Also called: GRIN2D-related condition.

Allele frequency attached by ClinVar (database versions not stated): gnomAD exomes 0.00012 and 0.00028; ExAC 0.00035; 1000 Genomes Project 0.00100; 1000 Genomes Project 30x 0.00125; gnomAD 0.00132 and 0.00140; ESP Exome Variant Server 0.00138; TOPMed 0.00204.
gnomAD v4.1: 378 of 1,613,570 alleles (0.023%); highest among the groups gnomAD compares: African/African-American, 0.39%; no homozygotes.

Submissions (2):

Labcorp Genetics (formerly Invitae), Labcorp
Classification: Benign. Last evaluated: 2026-02-03. Review status: criteria provided, single submitter. Criteria: Invitae Variant Classification Sherloc (09022015). Collection method: clinical testing. Allele origin: germline.

PreventionGenetics, part of Exact Sciences
Classification: Likely benign for GRIN2D-related condition. Last evaluated: 2019-10-28. Review status: no assertion criteria provided. Collection method: clinical testing. Allele origin: germline. Not counted in ClinVar's aggregate classification.
Comment: This variant is classified as likely benign based on ACMG/AMP sequence variant interpretation guidelines (Richards et al. 2015 PMID: 25741868, with internal and published modifications).

NM_000836.4(GRIN2D):c.1998C>T (p.Ala666=)

Genes: GRIN2D (glutamate ionotropic receptor NMDA type subunit 2D; plus strand), LOC130064857 (ATAC-STARR-seq lymphoblastoid active region 14894; plus strand). Cytogenetic location: 19q13.33.
Variant type: single nucleotide variant.
Coding change: c.1998C>T on transcript NM_000836.4 (MANE Select); coding-DNA position 1998, C replaced by T.
Protein change: p.Ala666=; no amino-acid change (alanine 666 retained).
Molecular consequence: synonymous variant.
Genome position (GRCh38, 1-based): chr19:48,419,721, C>T. VCF-style: chr19-48419721-C-T. GRCh37 (hg19) VCF-style: chr19-48922978-C-T.
Identifiers: ClinVar variation 727458 (VCV000727458.12), dbSNP rs150885362, ClinGen allele CA9550633.